The following is an entry in ClinVar:

NC_000002.11:g.(?_44190707)_(44204435_?)del

Gene: LRPPRC (leucine rich pentatricopeptide repeat containing; minus strand). Cytogenetic location: 2p21.
Variant type: Deletion.
Identifiers: ClinVar variation 3247587 (VCV003247587.1).

ClinVar aggregate classification (germline): Pathogenic (1 of 4 stars; one submission).

Submission:

Labcorp Genetics (formerly Invitae), Labcorp
Classification: Pathogenic. Last evaluated: 2022-11-23. Review status: criteria provided, single submitter. Criteria: Invitae Variant Classification Sherloc (09022015). Collection method: clinical testing. Allele origin: unknown.
Comment: For these reasons, this variant has been classified as Pathogenic. This variant has not been reported in the literature in individuals affected with LRPPRC-related conditions. This variant is a gross deletion of the genomic region encompassing exon(s) 4-12 of the LRPPRC gene. This deletion is out-of-frame, and is expected to create a premature termination codon and result in an absent or disrupted protein product. Loss-of-function variants in LRPPRC are known to be pathogenic (PMID: 26510951).

Literature cited by the submitters: PubMed 26510951.